The following is an entry in ClinVar:

NM_003924.4(PHOX2B):c.446G>C (p.Arg149Pro)

Gene: PHOX2B (paired like homeobox 2B; minus strand). Cytogenetic location: 4p13.
Variant type: single nucleotide variant.
Coding change: c.446G>C on transcript NM_003924.4 (MANE Select); coding-DNA position 446, G replaced by C.
Protein change: p.Arg149Pro; replaces arginine 149 with proline.
Molecular consequence: missense variant.
Genome position (GRCh38, 1-based): chr4:41,746,306, C>G on the plus strand (G>C on the coding strand, the complement: PHOX2B is on the minus strand). VCF-style: chr4-41746306-C-G. GRCh37 (hg19) VCF-style: chr4-41748323-C-G.
Other names: short protein forms R149P.
Identifiers: ClinVar variation 3367771 (VCV003367771.1).

ClinVar aggregate classification (germline): Uncertain significance (1 of 4 stars; one submission).

Submission:

GeneDx
Classification: Uncertain significance. Last evaluated: 2024-01-10. Review status: criteria provided, single submitter. Criteria: GeneDx Variant Classification Process June 2021. Collection method: clinical testing. Allele origin: germline. Affected: yes.
Comment: Not observed at significant frequency in large population cohorts (gnomAD); In silico analysis supports that this missense variant has a deleterious effect on protein structure/function; Has not been previously published as pathogenic or benign to our knowledge